The following is an entry in ClinVar:

NM_000535.7(PMS2):c.1071C>G (p.Thr357=)

Gene: PMS2 (PMS1 homolog 2, mismatch repair system component; minus strand). Cytogenetic location: 7p22.1.
Variant type: single nucleotide variant.
Coding change: c.1071C>G on transcript NM_000535.7 (MANE Select); coding-DNA position 1071, C replaced by G.
Protein change: p.Thr357=; no amino-acid change (threonine 357 retained).
Molecular consequence: synonymous variant. On other transcripts: non-coding transcript variant (1), intron variant (2).
Genome position (GRCh38, 1-based): chr7:5,989,873, G>C on the plus strand (C>G on the coding strand, the complement: PMS2 is on the minus strand). VCF-style: chr7-5989873-G-C. GRCh37 (hg19) VCF-style: chr7-6029504-G-C.
Other names: c.666C>G, p.Thr222= (NM_001322003.2, NM_001322004.2, NM_001322005.2 and 1 more transcripts); c.753C>G, p.Thr251= (NM_001322007.2, NM_001322008.2); c.138C>G, p.Thr46= (NM_001322011.2, NM_001322012.2); c.498C>G, p.Thr166= (NM_001322013.2); c.1071C>G, p.Thr357= (NM_001322014.2); c.762C>G, p.Thr254= (NM_001322015.2); c.583+2100C>G (NM_001322010.2); c.988+2100C>G (NM_001322006.2).
Identifiers: ClinVar variation 822114 (VCV000822114.5), dbSNP rs1244381746, ClinGen allele CA453644156.

ClinVar aggregate classification (germline): Benign/Likely benign. Review status: criteria provided, multiple submitters, no conflicts (2 of 4 stars). 2 submissions from 2 submitters: Benign (1); Likely benign (1). Last evaluated 2025-01-29.

Conditions:
Lynch syndrome 4 (LYNCH4). Also called: Colorectal cancer, hereditary nonpolyposis, type 4; Hereditary non-polyposis colorectal cancer, type 4. Identifiers: Orphanet 144, MedGen C1838333, MONDO:0013699, OMIM 614337. Disease mechanism: loss of function.
Hereditary cancer-predisposing syndrome. Also called: Tumor predisposition; Hereditary Cancer Syndrome; Neoplastic Syndromes, Hereditary; Hereditary neoplastic syndrome. Identifiers: Orphanet 140162, MedGen C0027672, MeSH D009386, MONDO:0015356.

Submissions (2):

Myriad Genetics, Inc.
Classification: Benign for Lynch syndrome 4. Last evaluated: 2025-01-29. Review status: criteria provided, single submitter. Criteria: Myriad Autosomal Dominant, Autosomal Recessive and X-Linked Classification Criteria (2023). Collection method: clinical testing. Allele origin: unknown.
Comment: This variant is considered benign. This variant is a silent/synonymous amino acid change and it is not expected to impact splicing.

Ambry Genetics
Classification: Likely benign for Hereditary cancer-predisposing syndrome. Last evaluated: 2019-05-10. Review status: criteria provided, single submitter. Criteria: Ambry Variant Classification Scheme 2023. Collection method: clinical testing. Allele origin: germline.